The following is an entry in ClinVar:

ClinVar aggregate classification (germline): Uncertain significance (1 of 4 stars; one submission).

gnomAD v4.1: 4 of 1,613,902 alleles (0.00025%); highest among the groups gnomAD compares: East Asian, 0.0067%; no homozygotes.

Submission:

Labcorp Genetics (formerly Invitae), Labcorp
Classification: Uncertain significance. Last evaluated: 2025-06-29. Review status: criteria provided, single submitter. Criteria: Invitae Variant Classification Sherloc (09022015). Collection method: clinical testing. Allele origin: germline.
Comment: This sequence change replaces methionine, which is neutral and non-polar, with lysine, which is basic and polar, at codon 2421 of the KMT2A protein (p.Met2421Lys). This variant is not present in population databases (gnomAD no frequency). This variant has not been reported in the literature in individuals affected with KMT2A-related conditions. Invitae Evidence Modeling of protein sequence and biophysical properties (such as structural, functional, and spatial information, amino acid conservation, physicochemical variation, residue mobility, and thermodynamic stability) indicates that this missense variant is not expected to disrupt KMT2A protein function with a negative predictive value of 95%. In summary, the available evidence is currently insufficient to determine the role of this variant in disease. Therefore, it has been classified as a Variant of Uncertain Significance.

NM_001197104.2(KMT2A):c.7262T>A (p.Met2421Lys)

Gene: KMT2A (lysine methyltransferase 2A; plus strand). Cytogenetic location: 11q23.3.
Variant type: single nucleotide variant.
Coding change: c.7262T>A on transcript NM_001197104.2 (MANE Select); coding-DNA position 7262, T replaced by A.
Protein change: p.Met2421Lys; replaces methionine 2421 with lysine.
Molecular consequence: missense variant.
Genome position (GRCh38, 1-based): chr11:118,503,154, T>A. VCF-style: chr11-118503154-T-A. GRCh37 (hg19) VCF-style: chr11-118373869-T-A.
Other names: c.7352T>A, p.Met2451Lys (NM_001412597.1); c.7253T>A, p.Met2418Lys (NM_005933.4); short protein forms M2418K, M2451K, M2421K.
Identifiers: ClinVar variation 4778065 (VCV004778065.1).